The following is an entry in ClinVar:

NM_001206927.2(DNAH8):c.10690C>T (p.Arg3564Trp)

Genes: DNAH8 (dynein axonemal heavy chain 8; plus strand), DNAH8-AS1 (DNAH8 antisense RNA 1; minus strand). Cytogenetic location: 6p21.2.
Variant type: single nucleotide variant.
Coding change: c.10690C>T on transcript NM_001206927.2 (MANE Select); coding-DNA position 10690, C replaced by T.
Protein change: p.Arg3564Trp; replaces arginine 3564 with tryptophan.
Molecular consequence: missense variant. On other transcripts: non-coding transcript variant (1).
Genome position (GRCh38, 1-based): chr6:38,923,085, C>T. VCF-style: chr6-38923085-C-T. GRCh37 (hg19) VCF-style: chr6-38890861-C-T.
Other names: c.10039C>T, p.Arg3347Trp (NM_001371.4); c.10690C>T (NM_001206927.1); short protein forms R3347W, R3564W.
Identifiers: ClinVar variation 1464892 (VCV001464892.16), dbSNP rs748121138, ClinGen allele CA3790810.
Genomic context (GRCh38, chr6:38,923,085, plus strand): 5'-GTTTTTTGAGACATTCTCCCATTATGGCTGCAGGATTTGCTTAATGACGCTGATACGTGC[C>T]GGAAAAAGATGCAGGCCGCCTCCACTCTCATCGATGGGCTGAGTGGAGAAAAAATCCGGT-3'
Protein context (NP_001193856.1, residues 3554-3574): MDLLNDADTC[Arg3564Trp]KKMQAASTLI

ClinVar aggregate classification (germline): Uncertain significance. Review status: criteria provided, multiple submitters, no conflicts (2 of 4 stars). 3 submissions from 3 submitters: Uncertain significance (3). Last evaluated 2025-09-04.

Conditions:
Primary ciliary dyskinesia. Also called: Ciliary dyskinesia. Identifiers: Orphanet 244, MedGen C0008780, MONDO:0016575, HP:0012265.

gnomAD v4.1: 34 of 1,613,220 alleles (0.0021%); highest among the groups gnomAD compares: Middle Eastern, 0.033%; no homozygotes.

Submissions (3):

Labcorp Genetics (formerly Invitae), Labcorp
Classification: Uncertain significance for Primary ciliary dyskinesia. Last evaluated: 2025-09-04. Review status: criteria provided, single submitter. Criteria: Invitae Variant Classification Sherloc (09022015). Collection method: clinical testing. Allele origin: germline.
Comment: This sequence change replaces arginine, which is basic and polar, with tryptophan, which is neutral and slightly polar, at codon 3564 of the DNAH8 protein (p.Arg3564Trp). This variant is present in population databases (rs748121138, gnomAD 0.01%). This variant has not been reported in the literature in individuals affected with DNAH8-related conditions. ClinVar contains an entry for this variant (Variation ID: 1464892). Invitae Evidence Modeling of protein sequence and biophysical properties (such as structural, functional, and spatial information, amino acid conservation, physicochemical variation, residue mobility, and thermodynamic stability) indicates that this missense variant is expected to disrupt DNAH8 protein function with a positive predictive value of 80%. In summary, the available evidence is currently insufficient to determine the role of this variant in disease. Therefore, it has been classified as a Variant of Uncertain Significance.

CeGaT Center for Human Genetics Tuebingen
Classification: Uncertain significance. Last evaluated: 2025-08-01. Review status: criteria provided, single submitter. Criteria: CeGaT Center For Human Genetics Tuebingen Variant Classification Criteria Version 2. Collection method: clinical testing. Allele origin: germline. Affected: yes. Observed: 1 variant allele.
Comment: DNAH8: PM2

Ambry Genetics
Classification: Uncertain significance. Last evaluated: 2023-11-27. Review status: criteria provided, single submitter. Criteria: Ambry Variant Classification Scheme 2023. Collection method: clinical testing. Allele origin: germline.